The following is an entry in ClinVar:

ClinVar aggregate classification (germline): Uncertain significance (1 of 4 stars; one submission).

Conditions:
Candidiasis, familial, 8 (CANDF8). Identifiers: Orphanet 1334, MedGen C3714992, MONDO:0014230, OMIM 615527.

Allele frequency attached by ClinVar (database versions not stated): gnomAD exomes below 0.00001 and 0.00001; TOPMed below 0.00001; gnomAD 0.00001; ExAC 0.00002; ESP Exome Variant Server 0.00008.

Submission:

Labcorp Genetics (formerly Invitae), Labcorp
Classification: Uncertain significance for Candidiasis, familial, 8. Last evaluated: 2022-08-16. Review status: criteria provided, single submitter. Criteria: Invitae Variant Classification Sherloc (09022015). Collection method: clinical testing. Allele origin: germline.
Comment: In summary, the available evidence is currently insufficient to determine the role of this variant in disease. Therefore, it has been classified as a Variant of Uncertain Significance. Algorithms developed to predict the effect of missense changes on protein structure and function output the following: SIFT: "Deleterious"; PolyPhen-2: "Benign"; Align-GVGD: "Class C0". The leucine amino acid residue is found in multiple mammalian species, which suggests that this missense change does not adversely affect protein function. ClinVar contains an entry for this variant (Variation ID: 1019055). This variant has not been reported in the literature in individuals affected with TRAF3IP2-related conditions. This variant is present in population databases (rs376991338, gnomAD 0.002%). This sequence change replaces proline, which is neutral and non-polar, with leucine, which is neutral and non-polar, at codon 181 of the TRAF3IP2 protein (p.Pro181Leu).

NM_147686.4(TRAF3IP2):c.542C>T (p.Pro181Leu)

Genes: TRAF3IP2 (TRAF3 interacting protein 2; minus strand), TRAF3IP2-AS1 (TRAF3IP2 antisense RNA 1; plus strand), LOC114803478 (TRAF3IP2 eExon liver enhancer; plus strand). Cytogenetic location: 6q21.
Variant type: single nucleotide variant.
Coding change: c.542C>T on transcript NM_147686.4 (MANE Select); coding-DNA position 542, C replaced by T.
Protein change: p.Pro181Leu; replaces proline 181 with leucine.
Molecular consequence: missense variant.
Genome position (GRCh38, 1-based): chr6:111,591,545, G>A on the plus strand (C>T on the coding strand, the complement: TRAF3IP2 is on the minus strand). VCF-style: chr6-111591545-G-A. GRCh37 (hg19) VCF-style: chr6-111912748-G-A.
Other names: c.542C>T, p.Pro181Leu (NM_001164281.3); c.569C>T, p.Pro190Leu (NM_147200.3); short protein forms P181L, P190L.
Identifiers: ClinVar variation 1019055 (VCV001019055.5), dbSNP rs376991338, ClinGen allele CA3963304.